The following is an entry in ClinVar:

ClinVar aggregate classification (germline): Conflicting classifications of pathogenicity. Review status: criteria provided, conflicting classifications (1 of 4 stars). 6 submissions from 6 submitters: Uncertain significance (4); Likely benign (1). 1 of the submissions does not count toward it. Last evaluated 2025-01-03.

Conditions:
Hereditary nonpolyposis colorectal neoplasms. Identifiers: MedGen C0009405, MeSH D003123.
Hereditary cancer-predisposing syndrome. Also called: Neoplastic Syndromes, Hereditary; Tumor predisposition; Hereditary Cancer Syndrome; Hereditary neoplastic syndrome. Identifiers: Orphanet 140162, MedGen C0027672, MeSH D009386, MONDO:0015356.
Lynch syndrome. Identifiers: Orphanet 144, MedGen C4552100, MONDO:0005835. Disease mechanism: loss of function.
Lynch syndrome 5 (LYNCH5). Also called: Colorectal cancer, hereditary nonpolyposis, type 5; Hereditary non-polyposis colorectal cancer, type 5. Identifiers: Orphanet 144, MedGen C1833477, MONDO:0013710, OMIM 614350. Disease mechanism: loss of function.

gnomAD v4.1: 3 of 1,612,660 alleles (0.00019%); highest among the groups gnomAD compares: African/African-American, 0.0027%; no homozygotes.

Submissions (6):

Myriad Genetics, Inc.
Classification: Likely benign for Lynch syndrome 5. Last evaluated: 2025-01-03. Review status: criteria provided, single submitter. Criteria: Myriad Autosomal Dominant, Autosomal Recessive and X-Linked Classification Criteria (2023). Collection method: clinical testing. Allele origin: unknown.
Comment: This variant is considered likely benign. This variant is strongly associated with less severe personal and family histories of cancer, typical for individuals without pathogenic variants in this gene [PMID: 27363726].

Ambry Genetics
Classification: Uncertain significance for Hereditary cancer-predisposing syndrome. Last evaluated: 2024-06-17. Review status: criteria provided, single submitter. Criteria: Ambry Variant Classification Scheme 2023. Collection method: clinical testing. Allele origin: germline.
Comment: The p.F1037L variant (also known as c.3111C>A), located in coding exon 4 of the MSH6 gene, results from a C to A substitution at nucleotide position 3111. The phenylalanine at codon 1037 is replaced by leucine, an amino acid with highly similar properties. This amino acid position is highly conserved in available vertebrate species. In addition, this alteration is predicted to be deleterious by in silico analysis. Based on the available evidence, the clinical significance of this variant remains unclear.

Labcorp Genetics (formerly Invitae), Labcorp
Classification: Uncertain significance for Hereditary nonpolyposis colorectal neoplasms. Last evaluated: 2024-01-19. Review status: criteria provided, single submitter. Criteria: Invitae Variant Classification Sherloc (09022015). Collection method: clinical testing. Allele origin: germline.
Comment: This sequence change replaces phenylalanine, which is neutral and non-polar, with leucine, which is neutral and non-polar, at codon 1037 of the MSH6 protein (p.Phe1037Leu). This variant is not present in population databases (gnomAD no frequency). This variant has not been reported in the literature in individuals affected with MSH6-related conditions. ClinVar contains an entry for this variant (Variation ID: 141346). Advanced modeling of protein sequence and biophysical properties (such as structural, functional, and spatial information, amino acid conservation, physicochemical variation, residue mobility, and thermodynamic stability) has been performed at Invitae for this missense variant, however the output from this modeling did not meet the statistical confidence thresholds required to predict the impact of this variant on MSH6 protein function. In summary, the available evidence is currently insufficient to determine the role of this variant in disease. Therefore, it has been classified as a Variant of Uncertain Significance.

All of Us Research Program, National Institutes of Health
Classification: Uncertain significance for Lynch syndrome. Last evaluated: 2023-08-15. Review status: criteria provided, single submitter. Criteria: ACMG Guidelines, 2015. Collection method: clinical testing. Allele origin: germline. Inheritance: Autosomal dominant inheritance. Observed: 1 variant allele, 1 heterozygote.
Comment: This missense variant replaces phenylalanine with leucine at codon 1037 of the MSH6 protein. Computational prediction suggests that this variant may have deleterious impact on protein structure and function (internally defined REVEL score threshold >= 0.7, PMID: 27666373). To our knowledge, functional studies have not been reported for this variant. This variant has not been reported in individuals affected with MSH6-related disorders in the literature. This variant has not been identified in the general population by the Genome Aggregation Database (gnomAD). The available evidence is insufficient to determine the role of this variant in disease conclusively. Therefore, this variant is classified as a Variant of Uncertain Significance.

This study involves interpretation of variants in research participants for the purpose of population health screening. Participant phenotype was not available at the time of variant classification. Additional details can be found in publication PMID: 35346344, PMCID: PMC8962531

GeneDx
Classification: Uncertain significance. Last evaluated: 2015-10-30. Review status: criteria provided, single submitter. Criteria: GeneDx Variant Classification (06012015). Collection method: clinical testing. Allele origin: germline. Affected: yes.
Comment: This variant is denoted MSH6 c.3111C>A at the cDNA level, p.Phe1037Leu (F1037L) at the protein level, and results in the change of a Phenylalanine to a Leucine (TTC>TTA). This variant has not, to our knowledge, been published in the literature as pathogenic or benign. MSH6 Phe1037Leu was not observed in approximately 6,500 individuals of European and African American ancestry in the NHLBI Exome Sequencing Project, suggesting it is not a common benign variant in these populations. Since Phenylalanine and Leucine share similar properties, this is considered a conservative amino acid substitution. MSH6 Phe1037Leu occurs at a position that is conserved across species and is located in MutS domain III (Terui 2013). In silico analyses predict that this variant is probably damaging to protein structure and function. Based on currently available evidence, it is unclear whether MSH6 Phe1037Leu is pathogenic or benign. We consider it to be a variant of uncertain significance.

Counsyl
Classification: Uncertain significance for Lynch syndrome 5. Last evaluated: 2016-08-29. Review status: no assertion criteria provided. Collection method: clinical testing. Allele origin: unknown. Not counted in ClinVar's aggregate classification.

Literature cited by the submitters: PubMed 27363726 (cited by Myriad Genetics, Inc.).

NM_000179.3(MSH6):c.3111C>A (p.Phe1037Leu)

Gene: MSH6 (mutS homolog 6; plus strand). Cytogenetic location: 2p16.3.
Variant type: single nucleotide variant.
Coding change: c.3111C>A on transcript NM_000179.3 (MANE Select); coding-DNA position 3111, C replaced by A.
Protein change: p.Phe1037Leu; replaces phenylalanine 1037 with leucine.
Molecular consequence: missense variant.
Genome position (GRCh38, 1-based): chr2:47,801,094, C>A. VCF-style: chr2-47801094-C-A. GRCh37 (hg19) VCF-style: chr2-48028233-C-A.
Other names: c.2721C>A, p.Phe907Leu (NM_001281492.2); c.2205C>A, p.Phe735Leu (NM_001281493.2, NM_001281494.2); short protein forms F1037L, F735L, F907L.
Identifiers: ClinVar variation 141346 (VCV000141346.21), dbSNP rs587781673, ClinGen allele CA011575.